The following is an entry in ClinVar:

NM_032229.3(SLITRK6):c.2506G>C (p.Val836Leu)

Gene: SLITRK6 (SLIT and NTRK like family member 6; minus strand). Cytogenetic location: 13q31.1.
Variant type: single nucleotide variant.
Coding change: c.2506G>C on transcript NM_032229.3 (MANE Select); coding-DNA position 2506, G replaced by C.
Protein change: p.Val836Leu; replaces valine 836 with leucine.
Molecular consequence: missense variant.
Genome position (GRCh38, 1-based): chr13:85,794,003, C>G on the plus strand (G>C on the coding strand, the complement: SLITRK6 is on the minus strand). VCF-style: chr13-85794003-C-G. GRCh37 (hg19) VCF-style: chr13-86368138-C-G.
Other names: short protein forms V836L.
Identifiers: ClinVar variation 666921 (VCV000666921.13), dbSNP rs371823033, ClinGen allele CA7014886.

ClinVar aggregate classification (germline): Uncertain significance. Review status: criteria provided, multiple submitters, no conflicts (2 of 4 stars). 3 submissions from 3 submitters: Uncertain significance (3). Last evaluated 2024-04-04.

Conditions:
Inborn genetic diseases. Identifiers: MedGen C0950123, MeSH D030342.

Allele frequency attached by ClinVar (database versions not stated): ExAC 0.00007; gnomAD exomes 0.00009; TOPMed 0.00012; gnomAD 0.00013 and 0.00014; ESP Exome Variant Server 0.00017.
gnomAD v4.1: 402 of 1,604,150 alleles (0.025%); highest among the groups gnomAD compares: Non-Finnish European, 0.031%; 1 homozygote.

Submissions (3):

Ambry Genetics
Classification: Uncertain significance for Inborn genetic diseases. Last evaluated: 2024-04-04. Review status: criteria provided, single submitter. Criteria: Ambry Variant Classification Scheme 2023. Collection method: clinical testing. Allele origin: germline.

Labcorp Genetics (formerly Invitae), Labcorp
Classification: Uncertain significance. Last evaluated: 2022-04-08. Review status: criteria provided, single submitter. Criteria: Invitae Variant Classification Sherloc (09022015). Collection method: clinical testing. Allele origin: germline.
Comment: In summary, the available evidence is currently insufficient to determine the role of this variant in disease. Therefore, it has been classified as a Variant of Uncertain Significance. Algorithms developed to predict the effect of missense changes on protein structure and function are either unavailable or do not agree on the potential impact of this missense change (SIFT: "Deleterious"; PolyPhen-2: "Probably Damaging"; Align-GVGD: "Class C0"). ClinVar contains an entry for this variant (Variation ID: 666921). This variant has not been reported in the literature in individuals affected with SLITRK6-related conditions. This variant is present in population databases (rs371823033, gnomAD 0.02%). This sequence change replaces valine, which is neutral and non-polar, with leucine, which is neutral and non-polar, at codon 836 of the SLITRK6 protein (p.Val836Leu).

Laboratory for Molecular Medicine, Mass General Brigham Personalized Medicine
Classification: Uncertain significance. Last evaluated: 2019-02-13. Review status: criteria provided, single submitter. Criteria: LMM Criteria. Collection method: clinical testing. Allele origin: germline. Observed: 1 variant allele.
Comment: The p.Val836Leu variant in SLITRK6 has not been previously reported in individuals with hearing loss but has been identified in 0.02% (27/124430) of European chromosomes by gnomAD. Computational prediction tools and conservation analysis suggest that this variant may impact the protein, though this information is not predictive enough to determine pathogenicity. In summary, the clinical significance of this variant is uncertain. ACMG/AMP criteria applied: PM2_Supporting, PP3.